The following is an entry in ClinVar:

NM_000174.5(GP9):c.283T>G (p.Tyr95Asp)

Gene: GP9 (glycoprotein IX platelet; plus strand). Cytogenetic location: 3q21.3.
Variant type: single nucleotide variant.
Coding change: c.283T>G on transcript NM_000174.5 (MANE Select); coding-DNA position 283, T replaced by G.
Protein change: p.Tyr95Asp; replaces tyrosine 95 with aspartic acid.
Molecular consequence: missense variant.
Genome position (GRCh38, 1-based): chr3:129,062,022, T>G. VCF-style: chr3-129062022-T-G. GRCh37 (hg19) VCF-style: chr3-128780865-T-G.
Other names: NM_000174.5:c.283T>G; short protein forms Y95D.
Identifiers: ClinVar variation 4849239 (VCV004849239.1).

ClinVar aggregate classification (germline): Uncertain significance (3 of 4 stars; one submission).

Conditions:
Bernard Soulier syndrome (BSS). Also called: BLEEDING DISORDER, PLATELET-TYPE, 1; PLATELET GLYCOPROTEIN Ib DEFICIENCY; VON WILLEBRAND FACTOR RECEPTOR DEFICIENCY; Platelet Glycoprotein 1b, Deficiency of; Giant platelet syndrome; Hemorrhagiparous thrombocytic dystrophy. Identifiers: Orphanet 274, MedGen C0005129, MeSH D001606, MONDO:0009276, OMIM 231200.

Submission:

ClinGen Platelet Disorders Variant Curation Expert Panel, ClinGen
Classification: Uncertain significance for Bernard Soulier syndrome. Last evaluated: 2026-04-02. Review status: reviewed by expert panel. Criteria: ClinGen Platelet ACMG Specifications GP9 V1.0.0. Collection method: curation. Allele origin: germline. Inheritance: Autosomal recessive inheritance.
Comment: The c.283T>G variant in GP9 is a missense variant predicted to cause substitution of Tyrosine by Aspartic acid at amino acid 95 (p.Tyr95Asp). At least one patient (Patient BSS1.01 in PMID 23402648) with this variant had aggregation absent for ristocetin and present for all other agonists as well as less than 10% expression of GPIba and GP9 measured by flow cytometry, which is highly specific for Bernard-Soulier syndrome. Additionally, the patient had excessive mucocutaneous bleeding and macrothrombocytopenia which are consistent with Bernard-Soulier syndrome (PP4). The computational predictor REVEL gives a score of 0.727, which is above the ClinGen PD VCEP threshold of >0.644 and predicts a damaging effect on function (PP3). This variant is absent from gnomAD v4.1.0 (PM2_Supporting). In summary, this variant meets the criteria to be classified as VUS for autosomal recessive Bernard-Soulier syndrome based on the ACMG/AMP criteria applied, as specified by the ClinGen PD VCEP: PP4, PM3_Supporting, PP3 and PM2_Supporting (VCEP specifications version 1.1).